The following is an entry in ClinVar:

NM_001277115.2(DNAH11):c.3530T>C (p.Leu1177Pro)

Gene: DNAH11 (dynein axonemal heavy chain 11; plus strand). Cytogenetic location: 7p15.3.
Variant type: single nucleotide variant.
Coding change: c.3530T>C on transcript NM_001277115.2 (MANE Select); coding-DNA position 3530, T replaced by C.
Protein change: p.Leu1177Pro; replaces leucine 1177 with proline.
Molecular consequence: missense variant.
Genome position (GRCh38, 1-based): chr7:21,601,500, T>C. VCF-style: chr7-21601500-T-C. GRCh37 (hg19) VCF-style: chr7-21641118-T-C.
Other names: c.3530T>C, p.Leu1177Pro (NM_003777.3); c.3530T>C (NM_001277115.1); short protein forms L1177P.
Identifiers: ClinVar variation 2115407 (VCV002115407.6), dbSNP rs2534636029, ClinGen allele CA366947116.

ClinVar aggregate classification (germline): Uncertain significance. Review status: criteria provided, multiple submitters, no conflicts (2 of 4 stars). 3 submissions from 3 submitters: Uncertain significance (3). Last evaluated 2024-11-21.

Conditions:
Primary ciliary dyskinesia. Also called: Ciliary dyskinesia. Identifiers: Orphanet 244, MedGen C0008780, MONDO:0016575, HP:0012265.

Submissions (3):

GeneDx
Classification: Uncertain significance. Last evaluated: 2024-11-21. Review status: criteria provided, single submitter. Criteria: GeneDx Variant Classification Process June 2021. Collection method: clinical testing. Allele origin: germline. Affected: yes.
Comment: Not observed at significant frequency in large population cohorts (gnomAD); In silico analysis supports that this missense variant has a deleterious effect on protein structure/function; Has not been previously published as pathogenic or benign to our knowledge

Blueprint Genetics
Classification: Uncertain significance. Last evaluated: 2022-04-03. Review status: criteria provided, single submitter. Criteria: ACMG Guidelines, 2015. Collection method: clinical testing. Allele origin: germline.

Labcorp Genetics (formerly Invitae), Labcorp
Classification: Uncertain significance for Primary ciliary dyskinesia. Last evaluated: 2022-03-20. Review status: criteria provided, single submitter. Criteria: Invitae Variant Classification Sherloc (09022015). Collection method: clinical testing. Allele origin: germline.
Comment: In summary, the available evidence is currently insufficient to determine the role of this variant in disease. Therefore, it has been classified as a Variant of Uncertain Significance. Advanced modeling of protein sequence and biophysical properties (such as structural, functional, and spatial information, amino acid conservation, physicochemical variation, residue mobility, and thermodynamic stability) performed at Invitae indicates that this missense variant is not expected to disrupt DNAH11 protein function. This variant has not been reported in the literature in individuals affected with DNAH11-related conditions. This variant is not present in population databases (gnomAD no frequency). This sequence change replaces leucine, which is neutral and non-polar, with proline, which is neutral and non-polar, at codon 1177 of the DNAH11 protein (p.Leu1177Pro).